The following is an entry in ClinVar:

NM_005591.4(MRE11):c.2030A>G (p.Gln677Arg)

Gene: MRE11 (MRE11 double strand break repair nuclease; minus strand). Cytogenetic location: 11q21.
Variant type: single nucleotide variant.
Coding change: c.2030A>G on transcript NM_005591.4 (MANE Select); coding-DNA position 2030, A replaced by G.
Protein change: p.Gln677Arg; replaces glutamine 677 with arginine.
Molecular consequence: missense variant.
Genome position (GRCh38, 1-based): chr11:94,429,951, T>C on the plus strand (A>G on the coding strand, the complement: MRE11 is on the minus strand). VCF-style: chr11-94429951-T-C. GRCh37 (hg19) VCF-style: chr11-94163117-T-C.
Other names: c.2027A>G, p.Gln676Arg (NM_001330347.2); c.1946A>G, p.Gln649Arg (NM_005590.4); short protein forms Q649R, Q676R, Q677R.
Identifiers: ClinVar variation 1681547 (VCV001681547.8), dbSNP rs750746838, ClinGen allele CA6234915.
Genomic context (GRCh38, chr11:94,429,951, plus strand): 5'-TAACAATATTACTTATTTACCTCACTTGATTCAAAATCAACCCCTTTCGATACTTGACTC[T>C]GGGACATGATTTTGCTGGATGATGTGCTGGACCACCTGAGGCAAAACAAAAACAAAAACA-3'
Protein context (NP_005582.1, residues 667-687): SSTSSSKIMS[Gln677Arg]SQVSKGVDFE

ClinVar aggregate classification (germline): Uncertain significance (1 of 4 stars; one submission).

Conditions:
Ataxia-telangiectasia-like disorder (ATLD). Identifiers: MedGen C1858391, MONDO:0011457.

Allele frequency attached by ClinVar (database versions not stated): gnomAD exomes below 0.00001; ExAC 0.00001.
gnomAD v4.1: 1 of 1,614,108 alleles (0.000062%); highest among the groups gnomAD compares: Non-Finnish European, 0.000085%; no homozygotes.

Submission:

Labcorp Genetics (formerly Invitae), Labcorp
Classification: Uncertain significance for Ataxia-telangiectasia-like disorder. Last evaluated: 2024-04-08. Review status: criteria provided, single submitter. Criteria: Invitae Variant Classification Sherloc (09022015). Collection method: clinical testing. Allele origin: germline.
Comment: This sequence change replaces glutamine, which is neutral and polar, with arginine, which is basic and polar, at codon 677 of the MRE11 protein (p.Gln677Arg). This variant is present in population databases (rs750746838, gnomAD 0.0009%). This variant has not been reported in the literature in individuals affected with MRE11-related conditions. ClinVar contains an entry for this variant (Variation ID: 1681547). Algorithms developed to predict the effect of missense changes on protein structure and function output the following: SIFT: "Not Available"; PolyPhen-2: "Benign"; Align-GVGD: "Not Available". The arginine amino acid residue is found in multiple mammalian species, which suggests that this missense change does not adversely affect protein function. In summary, the available evidence is currently insufficient to determine the role of this variant in disease. Therefore, it has been classified as a Variant of Uncertain Significance.